The following is an entry in ClinVar:

NM_021620.4(PRDM13):c.680T>G (p.Ile227Ser)

Gene: PRDM13 (PR/SET domain 13; plus strand). Cytogenetic location: 6q16.2.
Variant type: single nucleotide variant.
Coding change: c.680T>G on transcript NM_021620.4 (MANE Select); coding-DNA position 680, T replaced by G.
Protein change: p.Ile227Ser; replaces isoleucine 227 with serine.
Molecular consequence: missense variant.
Genome position (GRCh38, 1-based): chr6:99,613,315, T>G. VCF-style: chr6-99613315-T-G. GRCh37 (hg19) VCF-style: chr6-100061191-T-G.
Other names: short protein forms I227S.
Identifiers: ClinVar variation 4720426 (VCV004720426.1).

ClinVar aggregate classification (germline): Uncertain significance (1 of 4 stars; one submission).

Submission:

Labcorp Genetics (formerly Invitae), Labcorp
Classification: Uncertain significance. Last evaluated: 2025-06-07. Review status: criteria provided, single submitter. Criteria: Invitae Variant Classification Sherloc (09022015). Collection method: clinical testing. Allele origin: germline.
Comment: This sequence change replaces isoleucine, which is neutral and non-polar, with serine, which is neutral and polar, at codon 227 of the PRDM13 protein (p.Ile227Ser). This variant is not present in population databases (gnomAD no frequency). This variant has not been reported in the literature in individuals affected with PRDM13-related conditions. An algorithm developed to predict the effect of missense changes on protein structure and function (PolyPhen-2) suggests that this variant is likely to be disruptive. In summary, the available evidence is currently insufficient to determine the role of this variant in disease. Therefore, it has been classified as a Variant of Uncertain Significance.